The following is an entry in ClinVar:

NM_025114.4(CEP290):c.6542A>T (p.Lys2181Ile)

Gene: CEP290 (centrosomal protein 290; minus strand). Cytogenetic location: 12q21.32.
Variant type: single nucleotide variant.
Coding change: c.6542A>T on transcript NM_025114.4 (MANE Select); coding-DNA position 6542, A replaced by T.
Protein change: p.Lys2181Ile; replaces lysine 2181 with isoleucine.
Molecular consequence: missense variant.
Genome position (GRCh38, 1-based): chr12:88,060,001, T>A on the plus strand (A>T on the coding strand, the complement: CEP290 is on the minus strand). VCF-style: chr12-88060001-T-A. GRCh37 (hg19) VCF-style: chr12-88453778-T-A.
Other names: short protein forms K2181I.
Identifiers: ClinVar variation 4998734 (VCV004998734.1).
Genomic context (GRCh38, chr12:88,060,001, plus strand): 5'-TTTTCTGTGCCTTTGGTCTTGGATTCATAGTGCATGCTCAACTGATGCCCAAGATGAGCT[T>A]TAAGTTTTTCTAATTCAGCCTAGTAAAAAAACAAACAAAATAAAAAGTATACATTATCAA-3'
Protein context (NP_079390.3, residues 2171-2191): EKLKAELEKL[Lys2181Ile]AHLGHQLSMH

ClinVar aggregate classification (germline): Uncertain significance (1 of 4 stars; one submission).

Conditions:
CEP290-related disorder. Also called: CEP290-related disorders; CEP290-related condition. Identifiers: MedGen CN239314.

gnomAD v4.1: 2 of 1,561,364 alleles (0.00013%); highest among the groups gnomAD compares: African/African-American, 0.0027%; no homozygotes.

Submission:

PreventionGenetics, part of Exact Sciences
Classification: Uncertain significance for CEP290-related condition. Last evaluated: 2025-07-28. Review status: criteria provided, single submitter. Criteria: ACMG Guidelines, 2015. Collection method: clinical testing. Allele origin: germline.
Comment: The CEP290 c.6542A>T variant is predicted to result in the amino acid substitution p.Lys2181Ile. To our knowledge, this variant has not been reported in the literature or in a large population database (gnomAD), indicating this variant is rare. At this time, the clinical significance of this variant is uncertain due to the absence of conclusive functional and genetic evidence.